The following is an entry in ClinVar:

ClinVar aggregate classification (germline): Uncertain significance (1 of 4 stars; one submission).

Submission:

Mayo Clinic Laboratories, Mayo Clinic
Classification: Uncertain significance. Last evaluated: 2022-09-26. Review status: criteria provided, single submitter. Criteria: ACMG Guidelines, 2015. Collection method: clinical testing. Allele origin: germline. Observed: 1 variant allele.
Comment: PP3, PM2, PM5

NM_000342.4(SLC4A1):c.1435T>G (p.Cys479Gly)

Gene: SLC4A1 (solute carrier family 4 member 1 (Diego blood group); minus strand). Cytogenetic location: 17q21.31.
Variant type: single nucleotide variant.
Coding change: c.1435T>G on transcript NM_000342.4 (MANE Select); coding-DNA position 1435, T replaced by G.
Protein change: p.Cys479Gly; replaces cysteine 479 with glycine.
Molecular consequence: missense variant.
Genome position (GRCh38, 1-based): chr17:44,257,541, A>C on the plus strand (T>G on the coding strand, the complement: SLC4A1 is on the minus strand). VCF-style: chr17-44257541-A-C. GRCh37 (hg19) VCF-style: chr17-42334909-A-C.
Other names: p.Cys479Gly; short protein forms C479G.
Identifiers: ClinVar variation 2683426 (VCV002683426.1), dbSNP rs2509965807, ClinGen allele CA399786168.